The following is an entry in ClinVar:

ClinVar aggregate classification (germline): Uncertain significance. Review status: criteria provided, multiple submitters, no conflicts (2 of 4 stars). 2 submissions from 2 submitters: Uncertain significance (2). Last evaluated 2024-09-09.

Conditions:
MEGF10-related myopathy (CMYO10A). Also called: Congenital myopathy 10A, severe variant. Identifiers: Orphanet 439212, MedGen C3280679, MONDO:0013731, OMIM 614399.

Allele frequency attached by ClinVar (database versions not stated): TOPMed 0.00001.
gnomAD v4.1: 42 of 1,613,938 alleles (0.0026%); highest among the groups gnomAD compares: Non-Finnish European, 0.0032%; no homozygotes.

Submissions (2):

GeneDx
Classification: Uncertain significance. Last evaluated: 2024-09-09. Review status: criteria provided, single submitter. Criteria: GeneDx Variant Classification Process June 2021. Collection method: clinical testing. Allele origin: germline. Affected: yes.
Comment: Not observed at significant frequency in large population cohorts (gnomAD); In silico analysis indicates that this missense variant does not alter protein structure/function; Has not been previously published as pathogenic or benign to our knowledge

Labcorp Genetics (formerly Invitae), Labcorp
Classification: Uncertain significance for MEGF10-related myopathy. Last evaluated: 2022-03-27. Review status: criteria provided, single submitter. Criteria: Invitae Variant Classification Sherloc (09022015). Collection method: clinical testing. Allele origin: germline.
Comment: This sequence change replaces arginine, which is basic and polar, with cysteine, which is neutral and slightly polar, at codon 272 of the MEGF10 protein (p.Arg272Cys). This variant is present in population databases (rs748380473, gnomAD 0.005%). This variant has not been reported in the literature in individuals affected with MEGF10-related conditions. ClinVar contains an entry for this variant (Variation ID: 950159). Algorithms developed to predict the effect of missense changes on protein structure and function (SIFT, PolyPhen-2, Align-GVGD) all suggest that this variant is likely to be disruptive. In summary, the available evidence is currently insufficient to determine the role of this variant in disease. Therefore, it has been classified as a Variant of Uncertain Significance.

NM_001256545.2(MEGF10):c.814C>T (p.Arg272Cys)

Gene: MEGF10 (multiple EGF like domains 10; plus strand). Cytogenetic location: 5q23.2.
Variant type: single nucleotide variant.
Coding change: c.814C>T on transcript NM_001256545.2 (MANE Select); coding-DNA position 814, C replaced by T.
Protein change: p.Arg272Cys; replaces arginine 272 with cysteine.
Molecular consequence: missense variant.
Genome position (GRCh38, 1-based): chr5:127,402,579, C>T. VCF-style: chr5-127402579-C-T. GRCh37 (hg19) VCF-style: chr5-126738271-C-T.
Other names: c.814C>T, p.Arg272Cys (NM_001308119.2, NM_001308121.2, NM_032446.3); short protein forms R272C.
Identifiers: ClinVar variation 950159 (VCV000950159.8), dbSNP rs748380473, ClinGen allele CA3391412.
Genomic context (GRCh38, chr5:127,402,579, plus strand): 5'-TAATTTTCCAAGTCTCTTTGAATGCAGGGCACAGTGTGTGGTCAGCCTTGCCCCGAGGGT[C>T]GCTTTGGAAAGAACTGTTCCCAAGAATGCCAGTGCCATAATGGAGGGACGTGTGATGCTG-3'
Protein context (NP_001243474.1, residues 262-282): TVCGQPCPEG[Arg272Cys]FGKNCSQECQ